The following is an entry in ClinVar:

ClinVar aggregate classification (germline): Uncertain significance (1 of 4 stars; one submission).

Allele frequency attached by ClinVar (database versions not stated): gnomAD exomes 0.00001 and 0.00002; TOPMed 0.00001; ExAC 0.00002; gnomAD 0.00002.
gnomAD v4.1: 27 of 1,612,314 alleles (0.0017%); highest among the groups gnomAD compares: African/African-American, 0.0053%; no homozygotes.

Submission:

Labcorp Genetics (formerly Invitae), Labcorp
Classification: Uncertain significance. Last evaluated: 2022-08-02. Review status: criteria provided, single submitter. Criteria: Invitae Variant Classification Sherloc (09022015). Collection method: clinical testing. Allele origin: germline.
Comment: This sequence change replaces alanine, which is neutral and non-polar, with valine, which is neutral and non-polar, at codon 1712 of the TUBGCP6 protein (p.Ala1712Val). This variant is present in population databases (rs763972630, gnomAD 0.006%). This variant has not been reported in the literature in individuals affected with TUBGCP6-related conditions. ClinVar contains an entry for this variant (Variation ID: 1015353). Algorithms developed to predict the effect of missense changes on protein structure and function (SIFT, PolyPhen-2, Align-GVGD) all suggest that this variant is likely to be tolerated. In summary, the available evidence is currently insufficient to determine the role of this variant in disease. Therefore, it has been classified as a Variant of Uncertain Significance.

NM_020461.4(TUBGCP6):c.5135C>T (p.Ala1712Val)

Gene: TUBGCP6 (tubulin gamma complex component 6; minus strand). Cytogenetic location: 22q13.33.
Variant type: single nucleotide variant.
Coding change: c.5135C>T on transcript NM_020461.4 (MANE Select); coding-DNA position 5135, C replaced by T.
Protein change: p.Ala1712Val; replaces alanine 1712 with valine.
Molecular consequence: missense variant.
Genome position (GRCh38, 1-based): chr22:50,218,222, G>A on the plus strand (C>T on the coding strand, the complement: TUBGCP6 is on the minus strand). VCF-style: chr22-50218222-G-A. GRCh37 (hg19) VCF-style: chr22-50656651-G-A.
Other names: short protein forms A1712V.
Identifiers: ClinVar variation 1015353 (VCV001015353.5), dbSNP rs763972630, ClinGen allele CA10307166.